The following is an entry in ClinVar:

ClinVar aggregate classification (germline): Uncertain significance. Review status: criteria provided, multiple submitters, no conflicts (2 of 4 stars). 2 submissions from 2 submitters: Uncertain significance (2). Last evaluated 2023-07-09.

Conditions:
Developmental and epileptic encephalopathy, 8 (DEE8). Also called: HYPEREKPLEXIA AND EPILEPSY. Identifiers: Orphanet 163985, Orphanet 2076, MedGen C1845102, MONDO:0010375, OMIM 300607.

Allele frequency attached by ClinVar (database versions not stated): gnomAD exomes below 0.00001.
gnomAD v4.1: 2 of 1,209,993 alleles (0.00017%); highest among the groups gnomAD compares: Non-Finnish European, 0.00022%; no homozygotes.

Submissions (2):

Labcorp Genetics (formerly Invitae), Labcorp
Classification: Uncertain significance for Developmental and epileptic encephalopathy, 8. Last evaluated: 2023-07-09. Review status: criteria provided, single submitter. Criteria: Invitae Variant Classification Sherloc (09022015). Collection method: clinical testing. Allele origin: germline.
Comment: ClinVar contains an entry for this variant (Variation ID: 1305373). This variant has not been reported in the literature in individuals affected with ARHGEF9-related conditions. This variant is not present in population databases (gnomAD no frequency). This sequence change replaces glutamic acid, which is acidic and polar, with aspartic acid, which is acidic and polar, at codon 493 of the ARHGEF9 protein (p.Glu493Asp). Advanced modeling of protein sequence and biophysical properties (such as structural, functional, and spatial information, amino acid conservation, physicochemical variation, residue mobility, and thermodynamic stability) performed at Invitae indicates that this missense variant is not expected to disrupt ARHGEF9 protein function. In summary, the available evidence is currently insufficient to determine the role of this variant in disease. Therefore, it has been classified as a Variant of Uncertain Significance.

GeneDx
Classification: Uncertain significance. Last evaluated: 2019-04-23. Review status: criteria provided, single submitter. Criteria: GeneDx Variant Classification Process June 2021. Collection method: clinical testing. Allele origin: germline. Affected: yes.
Comment: Not observed in large population cohorts (Lek et al., 2016); In silico analysis, which includes protein predictors and evolutionary conservation, supports that this variant does not alter protein structure/function; Has not been previously published as pathogenic or benign to our knowledge

NM_001353921.2(ARHGEF9):c.1500G>T (p.Glu500Asp)

Gene: ARHGEF9 (Cdc42 guanine nucleotide exchange factor 9; minus strand). Cytogenetic location: Xq11.1.
Variant type: single nucleotide variant.
Coding change: c.1500G>T on transcript NM_001353921.2 (MANE Select); coding-DNA position 1500, G replaced by T.
Protein change: p.Glu500Asp; replaces glutamic acid 500 with aspartic acid.
Molecular consequence: missense variant. On other transcripts: 3 prime UTR variant (2).
Genome position (GRCh38, 1-based): chrX:63,638,100, C>A on the plus strand (G>T on the coding strand, the complement: ARHGEF9 is on the minus strand). VCF-style: chrX-63638100-C-A. GRCh37 (hg19) VCF-style: chrX-62857980-C-A.
Other names: c.1320G>T, p.Glu440Asp (NM_001173479.2); c.1173G>T, p.Glu391Asp (NM_001173480.2, NM_001369042.1); c.1416G>T, p.Glu472Asp (NM_001330495.2, NM_001369033.1, NM_001369034.1 and 4 more transcripts); c.1368G>T, p.Glu456Asp (NM_001353922.2); c.1518G>T, p.Glu506Asp (NM_001353923.1); c.1299G>T, p.Glu433Asp (NM_001353924.2, NM_001353926.2, NM_001369039.1 and 1 more transcripts); c.1284G>T, p.Glu428Asp (NM_001353927.2, NM_001369041.1); c.1347G>T, p.Glu449Asp (NM_001353928.2); and 3 more; short protein forms E311D, E391D, E428D, E433D, E440D, E449D, E456D, E472D.
Identifiers: ClinVar variation 1305373 (VCV001305373.5), dbSNP rs2147114132, ClinGen allele CA413401098.